The following is an entry in ClinVar:

ClinVar aggregate classification (germline): Uncertain significance. Review status: criteria provided, multiple submitters, no conflicts (2 of 4 stars). 2 submissions from 2 submitters: Uncertain significance (2). Last evaluated 2021-09-21.

Conditions:
Chuvash polycythemia. Also called: POLYCYTHEMIA, VHL-DEPENDENT. Identifiers: Orphanet 238557, MedGen C1837915, MONDO:0009892, OMIM 263400.
Von Hippel-Lindau syndrome (VHLS). Also called: Von Hippel-Lindau; von Hippel–Lindau syndrome; VHL syndrome. Identifiers: Orphanet 892, MedGen C0019562, MONDO:0008667, OMIM 193300. Disease mechanism: loss of function.

Submissions (2):

Labcorp Genetics (formerly Invitae), Labcorp
Classification: Uncertain significance for Von Hippel-Lindau syndrome; Chuvash polycythemia. Last evaluated: 2021-09-21. Review status: criteria provided, single submitter. Criteria: Invitae Variant Classification Sherloc (09022015). Collection method: clinical testing. Allele origin: germline.
Comment: This sequence change replaces alanine with serine at codon 11 of the VHL protein (p.Ala11Ser). The alanine residue is moderately conserved and there is a moderate physicochemical difference between alanine and serine. The frequency data for this variant in the population databases is considered unreliable, as metrics indicate insufficient coverage at this position in the ExAC database. This variant has not been reported in the literature in individuals affected with VHL-related conditions. Advanced modeling of protein sequence and biophysical properties (such as structural, functional, and spatial information, amino acid conservation, physicochemical variation, residue mobility, and thermodynamic stability) performed at Invitae indicates that this missense variant is not expected to disrupt VHL protein function. In summary, the available evidence is currently insufficient to determine the role of this variant in disease. Therefore, it has been classified as a Variant of Uncertain Significance.

Breakthrough Genomics
Classification: Uncertain significance. Review status: criteria provided, single submitter. Criteria: ACMG Guidelines, 2015. Collection method: not provided. Allele origin: germline. Inheritance: Autosomal recessive inheritance. Affected: yes.

NM_000551.4(VHL):c.31G>T (p.Ala11Ser)

Gene: VHL (von Hippel-Lindau tumor suppressor; plus strand). Cytogenetic location: 3p25.3.
Variant type: single nucleotide variant.
Coding change: c.31G>T on transcript NM_000551.4 (MANE Select); coding-DNA position 31, G replaced by T.
Protein change: p.Ala11Ser; replaces alanine 11 with serine.
Molecular consequence: missense variant.
Genome position (GRCh38, 1-based): chr3:10,141,878, G>T. VCF-style: chr3-10141878-G-T. GRCh37 (hg19) VCF-style: chr3-10183562-G-T.
Other names: c.31G>T, p.Ala11Ser (NM_001354723.2, NM_198156.3); short protein forms A11S.
Identifiers: ClinVar variation 1382528 (VCV001382528.7), dbSNP rs1236604706, ClinGen allele CA351747111.